The following is an entry in ClinVar:

ClinVar aggregate classification (germline): Conflicting classifications of pathogenicity. Review status: criteria provided, conflicting classifications (1 of 4 stars). 10 submissions from 10 submitters: Uncertain significance (3); Likely benign (6). 1 of the submissions does not count toward it. Last evaluated 2026-01-26.

Conditions:
Familial temporal lobe epilepsy 7. Identifiers: Orphanet 101046, MedGen C4225327, MONDO:0014639, OMIM 616436.
Norman-Roberts syndrome (LIS2). Also called: Lissencephaly 2 (Norman-Roberts type). Identifiers: Orphanet 89844, MedGen C0796089, MONDO:0009760, OMIM 257320.
Inborn genetic diseases. Identifiers: MedGen C0950123, MeSH D030342.
Lissencephaly. Also called: Lissencephaly spectrum disorders. Identifiers: Orphanet 48471, MedGen C0266463, MeSH D054082, MONDO:0018838, HP:0001339.

Allele frequency attached by ClinVar (database versions not stated): ExAC 0.00021; ESP Exome Variant Server 0.00077; 1000 Genomes Project 0.00080; gnomAD 0.00088 and 0.00098; 1000 Genomes Project 30x 0.00109; TOPMed 0.00109.
gnomAD v4.1: 271 of 1,614,136 alleles (0.017%); highest among the groups gnomAD compares: African/African-American, 0.3%; no homozygotes.

Submissions (10):

Labcorp Genetics (formerly Invitae), Labcorp
Classification: Likely benign for Familial temporal lobe epilepsy 7; Norman-Roberts syndrome. Last evaluated: 2026-01-26. Review status: criteria provided, single submitter. Criteria: Invitae Variant Classification Sherloc (09022015). Collection method: clinical testing. Allele origin: germline.

CeGaT Center for Human Genetics Tuebingen
Classification: Uncertain significance. Last evaluated: 2025-11-01. Review status: criteria provided, single submitter. Criteria: CeGaT Center For Human Genetics Tuebingen Variant Classification Criteria Version 2. Collection method: clinical testing. Allele origin: germline. Affected: yes. Observed: 1 variant allele.
Comment: RELN: PM2, BP4

ARUP Laboratories, Molecular Genetics and Genomics, ARUP Laboratories
Classification: Likely benign. Last evaluated: 2024-03-04. Review status: criteria provided, single submitter. Criteria: ARUP Molecular Germline Variant Investigation Process 2024. Collection method: clinical testing. Allele origin: germline.

Laboratory for Molecular Medicine, Mass General Brigham Personalized Medicine
Classification: Likely benign. Last evaluated: 2024-02-05. Review status: criteria provided, single submitter. Criteria: ACMG Guidelines, 2015. Collection method: clinical testing. Allele origin: germline.
Comment: The p.Leu1734Val variant in RELN is classified as likely benign because it has been identified in 0.29% (121/41438) of African chromosomes by gnomAD (v.3.1.2). Computational prediction tools and conservation analyses suggest that this variant may not impact the protein, though this information is not predictive enough to rule out pathogenicity. This variant was observed in cis with the c.8489+4_8489+7delAGTA variant (Di Donato 2018 PMID: 29671837). ACMG/AMP Criteria applied: BS1, BP4.

Ambry Genetics
Classification: Likely benign for Inborn genetic diseases. Last evaluated: 2021-12-03. Review status: criteria provided, single submitter. Criteria: Ambry Variant Classification Scheme 2023. Collection method: clinical testing. Allele origin: germline.

GeneDx
Classification: Likely benign. Last evaluated: 2021-01-12. Review status: criteria provided, single submitter. Criteria: GeneDx Variant Classification Process June 2021. Collection method: clinical testing. Allele origin: germline. Affected: yes.
Comment: This variant is associated with the following publications: (PMID: 29671837)

Athena Diagnostics
Classification: Likely benign. Last evaluated: 2019-05-24. Review status: criteria provided, single submitter. Criteria: Athena Diagnostics criteria. Collection method: clinical testing. Allele origin: unknown.

Genetic Services Laboratory, University of Chicago
Classification: Uncertain significance. Last evaluated: 2017-01-13. Review status: criteria provided, single submitter. Criteria: ACMG Guidelines, 2015. Collection method: clinical testing. Allele origin: germline. Affected: no.

Eurofins Ntd Llc (ga)
Classification: Uncertain significance. Last evaluated: 2015-02-13. Review status: criteria provided, single submitter. Criteria: EGL Classification Definitions 2015. Collection method: clinical testing. Allele origin: germline. Observed: 4 variant alleles, 4 heterozygotes.

University of Washington Center for Mendelian Genomics, University of Washington
Classification: Likely pathogenic for lissencephaly. Review status: no assertion criteria provided. Collection method: research. Allele origin: paternal. Affected: yes. Not counted in ClinVar's aggregate classification.

Literature cited by the submitters: PubMed 29671837 (cited by University of Washington Center for Mendelian Genomics, University of Washington).

NM_005045.4(RELN):c.5200C>G (p.Leu1734Val)

Gene: RELN (reelin; minus strand). Cytogenetic location: 7q22.1.
Variant type: single nucleotide variant.
Coding change: c.5200C>G on transcript NM_005045.4 (MANE Select); coding-DNA position 5200, C replaced by G.
Protein change: p.Leu1734Val; replaces leucine 1734 with valine.
Molecular consequence: missense variant.
Genome position (GRCh38, 1-based): chr7:103,565,288, G>C on the plus strand (C>G on the coding strand, the complement: RELN is on the minus strand). VCF-style: chr7-103565288-G-C. GRCh37 (hg19) VCF-style: chr7-103205735-G-C.
Other names: c.5200C>G, p.Leu1734Val (NM_173054.3); short protein forms L1734V.
Identifiers: ClinVar variation 196901 (VCV000196901.33), dbSNP rs362800, ClinGen allele CA244697.